The following is an entry in ClinVar:

NM_001040142.2(SCN2A):c.2674G>T (p.Val892Phe)

Gene: SCN2A (sodium voltage-gated channel alpha subunit 2; plus strand). Cytogenetic location: 2q24.3.
Variant type: single nucleotide variant.
Coding change: c.2674G>T on transcript NM_001040142.2 (MANE Select); coding-DNA position 2674, G replaced by T.
Protein change: p.Val892Phe; replaces valine 892 with phenylalanine.
Molecular consequence: missense variant.
Genome position (GRCh38, 1-based): chr2:165,344,666, G>T. VCF-style: chr2-165344666-G-T. GRCh37 (hg19) VCF-style: chr2-166201176-G-T.
Other names: c.2674G>T, p.Val892Phe (NM_001040143.2, NM_001371246.1, NM_001371247.1 and 1 more transcripts); short protein forms V892F.
Identifiers: ClinVar variation 2947342 (VCV002947342.3), dbSNP rs121917751, ClinGen allele CA349014349.

ClinVar aggregate classification (germline): Likely pathogenic (1 of 4 stars; one submission).

Conditions:
Seizures, benign familial infantile, 3 (BFIS3). Also called: CONVULSIONS, BENIGN FAMILIAL INFANTILE, 3; Familial neonatal seizures. Identifiers: Orphanet 140927, Orphanet 306, MedGen C1843140, MONDO:0011904, OMIM 607745.
Developmental and epileptic encephalopathy, 11 (DEE11). Also called: Early infantile epileptic encephalopathy 11. Identifiers: Orphanet 1934, MedGen C3150987, MONDO:0013388, OMIM 613721.

Submission:

Labcorp Genetics (formerly Invitae), Labcorp
Classification: Likely pathogenic for Seizures, benign familial infantile, 3; Developmental and epileptic encephalopathy, 11. Last evaluated: 2023-05-02. Review status: criteria provided, single submitter. Criteria: Invitae Variant Classification Sherloc (09022015). Collection method: clinical testing. Allele origin: germline.
Comment: This sequence change replaces valine, which is neutral and non-polar, with phenylalanine, which is neutral and non-polar, at codon 892 of the SCN2A protein (p.Val892Phe). This variant is not present in population databases (gnomAD no frequency). This variant has not been reported in the literature in individuals affected with SCN2A-related conditions. Advanced modeling of protein sequence and biophysical properties (such as structural, functional, and spatial information, amino acid conservation, physicochemical variation, residue mobility, and thermodynamic stability) performed at Invitae indicates that this missense variant is expected to disrupt SCN2A protein function. This variant disrupts the p.Val892 amino acid residue in SCN2A. Other variant(s) that disrupt this residue have been determined to be pathogenic (PMID: 15048894). This suggests that this residue is clinically significant, and that variants that disrupt this residue are likely to be disease-causing. In summary, the currently available evidence indicates that the variant is pathogenic, but additional data are needed to prove that conclusively. Therefore, this variant has been classified as Likely Pathogenic.

Literature cited by the submitters: PubMed 15048894.